The following is an entry in ClinVar:

ClinVar aggregate classification (germline): Pathogenic (1 of 4 stars; one submission).

Conditions:
Familial adenomatous polyposis 1 (FAP1). Also called: FAMILIAL ADENOMATOUS POLYPOSIS 1, ATTENUATED; POLYPOSIS, ADENOMATOUS INTESTINAL. Identifiers: MedGen C2713442, MONDO:0021056, OMIM 175100. Disease mechanism: loss of function.

Submission:

National Molecular Genetics Centre of Cancer Research, N.N. Alexandrov National Cancer Centre of Belarus
Classification: Pathogenic for Familial adenomatous polyposis 1. Review status: criteria provided, single submitter. Criteria: ACMG Guidelines, 2015. Collection method: clinical testing. Allele origin: germline. Inheritance: Autosomal dominant inheritance. Affected: yes.
Comment: This variant is considered pathogenic. PVS1 - this variant creates a stop codon at Val1320 position. PP4 - patient's phenotype is highly specific for a disease with a single genetic aetiology. PM2 - variant is absent in Gnomad database.

NM_000038.6(APC):c.3933del (p.Ile1311fs)

Gene: APC (APC regulator of Wnt signaling pathway; plus strand). Cytogenetic location: 5q22.2.
Variant type: Deletion.
Coding change: c.3933del on transcript NM_000038.6 (MANE Select); coding-DNA position 3933, one base deleted (T; older notation c.3933delT).
Protein change: p.Ile1311fs; shifts the reading frame from isoleucine 1311.
Molecular consequence: frameshift variant. On other transcripts: non-coding transcript variant (2).
Genome position (GRCh38, 1-based): chr5:112,839,527, T deleted; the last of 2 consecutive T bases (chr5:112,839,526-112,839,527); deleting either gives the same sequence. VCF-style (leftmost placement, unchanged base first): chr5-112839525-AT-A. GRCh37 (hg19) VCF-style: chr5-112175222-AT-A.
Other names: c.3933del, p.Ile1311fs (NM_001127510.3, NM_001354895.2, NM_001407450.1); c.3879del, p.Ile1293fs (NM_001127511.3); c.3987del, p.Ile1329fs (NM_001354896.2, NM_001407447.1, NM_001407448.1 and 1 more transcripts); c.3963del, p.Ile1321fs (NM_001354897.2); c.3858del, p.Ile1286fs (NM_001354898.2); c.3849del, p.Ile1283fs (NM_001354899.2); c.3810del, p.Ile1270fs (NM_001354900.2); c.3756del, p.Ile1252fs (NM_001354901.2, NM_001407453.1); and 12 more; short protein forms I1028fs, I1151fs, I1182fs, I1185fs, I1210fs, I1220fs, I1228fs, I1252fs.
Identifiers: ClinVar variation 3385348 (VCV003385348.2).
Genomic context (GRCh38, chr5:112,839,525, plus strand): 5'-CAGACGACACAGGAAGCAGATTCTGCTAATACCCTGCAAATAGCAGAAATAAAAGAAAAG[AT>A]TGGAACTAGGTCAGCTGAAGATCCTGTGAGCGAAGTTCCAGCAGTGTCACAGCACCCTAG-3'